The following is an entry in ClinVar:

NM_000520.6(HEXA):c.970del (p.Val324fs)

Gene: HEXA (hexosaminidase subunit alpha; minus strand). Cytogenetic location: 15q23.
Variant type: Deletion.
Coding change: c.970del on transcript NM_000520.6 (MANE Select); coding-DNA position 970, one base deleted (G; older notation c.970delG).
Protein change: p.Val324fs; shifts the reading frame from valine 324.
Molecular consequence: frameshift variant. On other transcripts: non-coding transcript variant (1).
Genome position (GRCh38, 1-based): chr15:72,349,095, C deleted on the plus strand (G on the coding strand, the reverse complement: HEXA is on the minus strand); the first of 2 consecutive C bases (chr15:72,349,095-72,349,096); deleting either gives the same sequence. VCF-style (leftmost placement, unchanged base first): chr15-72349094-AC-A. GRCh37 (hg19) VCF-style: chr15-72641435-AC-A.
Other names: c.1003del, p.Val335fs (NM_001318825.2); short protein forms V324fs, V335fs.
Identifiers: ClinVar variation 4814277 (VCV004814277.1).

ClinVar aggregate classification (germline): Likely pathogenic (1 of 4 stars; one submission).

Conditions:
Tay-Sachs disease (TSD). Also called: HEXA DEFICIENCY; HEXA Disorders; GM2 gangliosidosis, type 1; Hexosaminidase alpha-subunit deficiency (variant B); Sphingolipidosis, Tay-Sachs; Hexosaminidase A Deficiency. Identifiers: Orphanet 845, MedGen C0039373, MONDO:0010100, OMIM 272800.

Submission:

Natera, Inc.
Classification: Likely pathogenic for Tay-Sachs disease. Last evaluated: 2025-12-03. Review status: criteria provided, single submitter. Criteria: Natera Variant Classification Schema (03/2026). Collection method: clinical testing. Allele origin: germline.
Comment: The c.970del variant in HEXA is a frameshift variant predicted to shift the reading frame beginning at codon 324 and leads to a stop codon 16 codons downstream. This variant is expected to result in nonsense mediated decay, truncation, or a dysfunctional protein product. This variant is rare in the general population with a frequency below the threshold expected for the associated phenotype(s). Given the available evidence, this variant is classified as Likely Pathogenic.